The following is an entry in ClinVar:

ClinVar aggregate classification (germline): Benign. Review status: criteria provided, multiple submitters, no conflicts (2 of 4 stars). 3 submissions from 3 submitters: Benign (2). 1 of the submissions does not count toward it. Last evaluated 2019-12-31.

Conditions:
XIRP1-related disorder. Also called: XIRP1-related condition.

Allele frequency attached by ClinVar (database versions not stated): ExAC 0.00155; gnomAD 0.00368 and 0.00387; TOPMed 0.00419; ESP Exome Variant Server 0.00446; 1000 Genomes Project 0.00659; 1000 Genomes Project 30x 0.00734.

Submissions (3):

Labcorp Genetics (formerly Invitae), Labcorp
Classification: Benign. Last evaluated: 2019-12-31. Review status: criteria provided, single submitter. Criteria: Invitae Variant Classification Sherloc (09022015). Collection method: clinical testing. Allele origin: germline.

Breakthrough Genomics
Classification: Benign. Review status: criteria provided, single submitter. Criteria: ACMG Guidelines, 2015. Collection method: not provided. Allele origin: germline. Inheritance: Unknown mechanism. Affected: yes.

PreventionGenetics, part of Exact Sciences
Classification: Benign for XIRP1-related condition. Last evaluated: 2019-04-09. Review status: no assertion criteria provided. Collection method: clinical testing. Allele origin: germline. Not counted in ClinVar's aggregate classification.
Comment: This variant is classified as benign based on ACMG/AMP sequence variant interpretation guidelines (Richards et al. 2015 PMID: 25741868, with internal and published modifications).

NM_194293.4(XIRP1):c.1652G>A (p.Arg551Gln)

Gene: XIRP1 (xin actin binding repeat containing 1; minus strand). Cytogenetic location: 3p22.2.
Variant type: single nucleotide variant.
Coding change: c.1652G>A on transcript NM_194293.4 (MANE Select); coding-DNA position 1652, G replaced by A.
Protein change: p.Arg551Gln; replaces arginine 551 with glutamine.
Molecular consequence: missense variant. On other transcripts: intron variant (1).
Genome position (GRCh38, 1-based): chr3:39,187,794, C>T on the plus strand (G>A on the coding strand, the complement: XIRP1 is on the minus strand). VCF-style: chr3-39187794-C-T. GRCh37 (hg19) VCF-style: chr3-39229285-C-T.
Other names: c.1652G>A, p.Arg551Gln (NM_001198621.4); c.-167-2133G>A (NM_001351377.2); short protein forms R551Q.
Identifiers: ClinVar variation 726224 (VCV000726224.7), dbSNP rs34121641, ClinGen allele CA2326465.
Genomic context (GRCh38, chr3:39,187,794, plus strand): 5'-TGTCGTTCCTGCTGCTCCCGTTGGTGGATCATCTCCAGGGGCTGGGTCTCAAAAAGCCAC[C>T]GAGCTGTGCCAACGTCCCCAGCCACCACTTCCTGCCGGGTGATGCCCCGCACCACGTCGA-3'
Protein context (NP_919269.2, residues 541-561): EVVAGDVGTA[Arg551Gln]WLFETQPLEM